The following is an entry in ClinVar:

NM_145046.5(CALR3):c.212A>G (p.Asn71Ser)

Gene: CALR3 (calreticulin 3; minus strand). Cytogenetic location: 19p13.11.
Variant type: single nucleotide variant.
Coding change: c.212A>G on transcript NM_145046.5 (MANE Select); coding-DNA position 212, A replaced by G.
Protein change: p.Asn71Ser; replaces asparagine 71 with serine.
Molecular consequence: missense variant.
Genome position (GRCh38, 1-based): chr19:16,490,552, T>C on the plus strand (A>G on the coding strand, the complement: CALR3 is on the minus strand). VCF-style: chr19-16490552-T-C. GRCh37 (hg19) VCF-style: chr19-16601363-T-C.
Other names: short protein forms N71S.
Identifiers: ClinVar variation 3019007 (VCV003019007.3), dbSNP rs369859530, ClinGen allele CA9278469.

ClinVar aggregate classification (germline): Uncertain significance (1 of 4 stars; one submission).

Conditions:
Hypertrophic cardiomyopathy 19. Also called: Familial hypertrophic cardiomyopathy 19. Identifiers: MedGen CN077603, MONDO:0013476.

Allele frequency attached by ClinVar (database versions not stated): ExAC 0.00001; gnomAD 0.00002; TOPMed 0.00003; ESP Exome Variant Server 0.00008.
gnomAD v4.1: 3 of 1,614,026 alleles (0.00019%); highest among the groups gnomAD compares: African/African-American, 0.004%; no homozygotes.

Submission:

Labcorp Genetics (formerly Invitae), Labcorp
Classification: Uncertain significance for Hypertrophic cardiomyopathy 19. Last evaluated: 2025-04-23. Review status: criteria provided, single submitter. Criteria: Invitae Variant Classification Sherloc (09022015). Collection method: clinical testing. Allele origin: germline.
Comment: This sequence change replaces asparagine, which is neutral and polar, with serine, which is neutral and polar, at codon 71 of the CALR3 protein (p.Asn71Ser). This variant is present in population databases (rs369859530, gnomAD 0.007%). This variant has not been reported in the literature in individuals affected with CALR3-related conditions. ClinVar contains an entry for this variant (Variation ID: 3019007). Invitae Evidence Modeling of protein sequence and biophysical properties (such as structural, functional, and spatial information, amino acid conservation, physicochemical variation, residue mobility, and thermodynamic stability) indicates that this missense variant is not expected to disrupt CALR3 protein function with a negative predictive value of 80%. In summary, the available evidence is currently insufficient to determine the role of this variant in disease. Therefore, it has been classified as a Variant of Uncertain Significance.